The following is an entry in ClinVar:

Single allele

Gene: TRB (T cell receptor beta locus; plus strand). Cytogenetic location: 7q34.
Variant type: Deletion.
Identifiers: ClinVar variation 157077 (VCV000157077.2).

ClinVar aggregate classification (germline): not provided (0 of 4 stars; one submission).

Conditions:
Gestational diabetes mellitus uncontrolled. Identifiers: MedGen C3532257.

Submission:

Institute of Molecular and Cell Biology, University of Tartu
No classification provided. Condition: Gestational diabetes mellitus uncontrolled. Review status: no classification provided. Collection method: case-control. Allele origin: unknown. Affected: yes. Study: Kasak2014.
Comment: The study aimed to determine the contribution of copy number variants in the genetic etiology of normal and complicated pregnancies. The samples represented (i) maternal blood DNA drawn from healthy pregnant women during 1st or 2nd trimester and (ii) maternal and paternal blood DNA drawn at term pregnancy cases representing normal and complicated gestations (severe preeclampsia, PE; gestational diabetes, GD; small-for-gestational age newborn, SGA; large-for-gestational age newborn, LGA). We performed CNV calling based on genome-wide genotyping dataset (Illumina HumanOmniExpress-24-v1 BeadChip) by applying three algorithms, QuantiSNP, GADA (Genome Alteration Detection Algorithm) and CNstream in parallel. The acquired CNV calls were merged with HD-CNV (Hotspot Detector for Copy Number Variants) program and only the CNVs predicted by at least two programs, were considered in subsequent analysis.

Literature cited by the submitters: PubMed 25666259.